The following is an entry in ClinVar:

NM_002010.3(FGF9):c.277+5G>A

Gene: FGF9 (fibroblast growth factor 9; plus strand). Cytogenetic location: 13q12.11.
Variant type: single nucleotide variant.
Coding change: c.277+5G>A on transcript NM_002010.3 (MANE Select); 5 bases into the intron after coding-DNA position 277, G replaced by A.
Molecular consequence: intron variant.
Genome position (GRCh38, 1-based): chr13:21,672,194, G>A. VCF-style: chr13-21672194-G-A. GRCh37 (hg19) VCF-style: chr13-22246333-G-A.
Identifiers: ClinVar variation 2819382 (VCV002819382.3), dbSNP rs2542485693, ClinGen allele CA2622318137.

ClinVar aggregate classification (germline): Uncertain significance (1 of 4 stars; one submission).

Allele frequency attached by ClinVar (database versions not stated): gnomAD exomes below 0.00001.
gnomAD v4.1: 1 of 1,614,052 alleles (0.000062%); no homozygotes.

Submission:

Labcorp Genetics (formerly Invitae), Labcorp
Classification: Uncertain significance. Last evaluated: 2022-12-08. Review status: criteria provided, single submitter. Criteria: Invitae Variant Classification Sherloc (09022015). Collection method: clinical testing. Allele origin: germline.
Comment: This variant is not present in population databases (gnomAD no frequency). This sequence change falls in intron 1 of the FGF9 gene. It does not directly change the encoded amino acid sequence of the FGF9 protein. It affects a nucleotide within the consensus splice site. In summary, the available evidence is currently insufficient to determine the role of this variant in disease. Therefore, it has been classified as a Variant of Uncertain Significance. Variants that disrupt the consensus splice site are a relatively common cause of aberrant splicing (PMID: 17576681, 9536098). Algorithms developed to predict the effect of sequence changes on RNA splicing suggest that this variant may disrupt the consensus splice site. This variant has not been reported in the literature in individuals affected with FGF9-related conditions.

Literature cited by the submitters: PubMed 17576681; PubMed 9536098.